The following is an entry in ClinVar:

ClinVar aggregate classification (germline): Uncertain significance (1 of 4 stars; one submission).

Conditions:
Glycogen storage disease due to muscle beta-enolase deficiency (GSD13). Also called: Glycogen Storage Disease Type XIII; ENOLASE 3 DEFICIENCY; ENOLASE-BETA DEFICIENCY; GSD XIII. Identifiers: Orphanet 99849, MedGen C2752027, MONDO:0013046, OMIM 612932.

Allele frequency attached by ClinVar (database versions not stated): TOPMed below 0.00001; gnomAD exomes 0.00001.

Submission:

Labcorp Genetics (formerly Invitae), Labcorp
Classification: Uncertain significance for Glycogen storage disease due to muscle beta-enolase deficiency. Last evaluated: 2022-05-31. Review status: criteria provided, single submitter. Criteria: Invitae Variant Classification Sherloc (09022015). Collection method: clinical testing. Allele origin: germline.
Comment: This sequence change replaces threonine, which is neutral and polar, with methionine, which is neutral and non-polar, at codon 19 of the ENO3 protein (p.Thr19Met). This variant is not present in population databases (gnomAD no frequency). This variant has not been reported in the literature in individuals affected with ENO3-related conditions. Algorithms developed to predict the effect of missense changes on protein structure and function are either unavailable or do not agree on the potential impact of this missense change (SIFT: "Deleterious"; PolyPhen-2: "Probably Damaging"; Align-GVGD: "Class C0"). In summary, the available evidence is currently insufficient to determine the role of this variant in disease. Therefore, it has been classified as a Variant of Uncertain Significance.

NM_053013.4(ENO3):c.56C>T (p.Thr19Met)

Gene: ENO3 (enolase 3; plus strand). Cytogenetic location: 17p13.2.
Variant type: single nucleotide variant.
Coding change: c.56C>T on transcript NM_053013.4 (MANE Select); coding-DNA position 56, C replaced by T.
Protein change: p.Thr19Met; replaces threonine 19 with methionine.
Molecular consequence: missense variant.
Genome position (GRCh38, 1-based): chr17:4,951,885, C>T. VCF-style: chr17-4951885-C-T. GRCh37 (hg19) VCF-style: chr17-4855180-C-T.
Other names: c.56C>T, p.Thr19Met (NM_001193503.2, NM_001374523.1, NM_001976.5); c.83C>T, p.Thr28Met (NM_001374524.1); short protein forms T19M, T28M.
Identifiers: ClinVar variation 2063361 (VCV002063361.1), dbSNP rs201499925, ClinGen allele CA287172476.